The following is an entry in ClinVar:

ClinVar aggregate classification (germline): Pathogenic. Review status: reviewed by expert panel (3 of 4 stars). 19 submissions from 19 submitters: Pathogenic (1). 18 of the submissions do not count toward it. Last evaluated 2023-07-18.

Conditions:
GAA-related disorders.
GAA-related disorder. Also called: GAA-related condition.
Glycogen storage disease. Also called: glycogen storage disorder; Disorder of glycogen metabolism. Identifiers: Orphanet 79201, MedGen C0017919, MONDO:0002412.
Glycogen storage disease, type II (IOPD). Also called: Glucosidase acid-1,4-alpha deficiency; Glycogen storage disease type 2; Acid maltase deficiency disease; Aglucosidase alfa; Deficiency of alpha-glucosidase; Deficiency of lysosomal alpha-glucosidase. Identifiers: Orphanet 365, MedGen C0017921, MONDO:0009290, OMIM 232300.

Allele frequency attached by ClinVar (database versions not stated): gnomAD 0.00003; ExAC 0.00005; TOPMed 0.00005; ESP Exome Variant Server 0.00008; 1000 Genomes Project 30x 0.00016; 1000 Genomes Project 0.00020.
gnomAD v4.1: 144 of 1,604,030 alleles (0.009%); highest among the groups gnomAD compares: Non-Finnish European, 0.012%; no homozygotes.

Submissions 1 to 8 of 20:

ClinGen Lysosomal Storage Disorder Variant Curation Expert Panel
Classification: Pathogenic for Glycogen storage disease, type II. Last evaluated: 2023-07-18. Review status: reviewed by expert panel. Criteria: clingen_lsd_acmg_specifications_v2-1. Collection method: curation. Allele origin: germline. Inheritance: Autosomal recessive inheritance.
Comment: The NM_000152.5:c.546G>A variant alters that last nucleotide of exon 2 of GAA, but does not result in an amino acid change (p.Thr182=). Two different studies, one using real-time RT-PCR to analyze RNA from cultured fibroblasts from an patient with the variant, and another involving minigene analysis showed that the variant disrupts normal splicing, resulting in skipping of exon 2, with a low proportion of normal transcripts produced (PMID: 14695532, 31301153). Exon 2 contains the start methionine and signal sequence for GAA (amino acids 1-27). In addition, deletion of exon 2 results in complete loss of enzyme activity when expressed in heterologous cells (PMID 7881425; PMID 7717400). As this variant appears to allow a low level of normal splicing to occur, PVS1 was applied at the strong level (PVS1_Strong). Four individuals with a diagnosis of late onset Pompe disease and this variant have been reported with documented laboratory values showing GAA activity in the affected range in dried blood spots or muscle, or <30% activity in skin fibroblasts or <10% activity in muscle and lymphocytes (PMID: 14695532, 21484825, 21984055, 25037089) (PP4_Moderate). Two of these patients are compound heterozygous for the variant and another variant in GAA that has been classified as pathogenic by the ClinGen LD VCEP including c.525delT (PMID: 14695532), and c.655G>A (p.Gly219Arg) (PMID: 25037089), phase not confirmed (PM3). Additional patients have been reported who are compound heterozygous for the variant and either c.736delC (PMID: 30564623), c.307T>C (p.Cys103Arg) (PMID: 21984055), c.2041-1G>A (PMID: 21484825); the allelic data from these patients will be used in the classification of the second variant and is not included here to avoid circular logic. Finally, allelic data for newborn screening cases was not included here due to either lack of confirmation, lack of clinical symptoms in suspected LOPD patients, or presence of pseudodeficiency variants (PMID: 33202836, 34995642). The highest population minor allele frequency in gnomAD v2.1.1 is 0.0001 (2/19660 alleles) in the East Asian population, which is lower than the ClinGen LD VCEP’s threshold for PM2_Supporting (<0.001), meeting this criterion (PM2_Supporting). Other variants at the same nucleotide position (c.546G>T, c.546G>C), and in the same splice region (c.546+1G>T, c.546+2T>C, c.546+5G>T, and c.546del2‐5) have been reported in individuals with Pompe disease. All of these variants have been shown to result in skipping of exon 2 using a minigene assay (PMID: 31301153). c.546G>T has been classified as pathogenic by the ClinGen Lysosomal Diseases VCEP (PS1_Moderate, PMID: 37352859). In summary, this variant meets the criteria to be classified as pathogenic for Pompe disease. GAA-specific ACMG/AMP criteria applied, based in the specification of the ClinGen Lysosomal Diseases VCEP: PVS1_Strong, PS1_Moderate, PM3, PP4_Moderate, PM2_Supporting. (Classification approved by the ClinGen Lysosomal Diseases VCEP on July 18, 2023)

Genomenon, Inc
Classification: Pathogenic for Glycogen storage disease, type II. Last evaluated: 2026-07-01. Review status: criteria provided, single submitter. Criteria: Genomenon Sequence Variant Interpretation Standards - Updated. Collection method: curation. Allele origin: germline. Affected: yes. Not counted in ClinVar's aggregate classification.
Comment: GAA c.546G>A is a synonymous variant that retains Threonine at codon 182. This variant has been observed in at least one proband with a GAA-related disorder in the compound heterozygous and/or homozygous state (PMID:39010129;33202836;21484825;21984055;25037089). At least one splicing study has demonstrated that this variant results in aberrant splicing (PMID:31301153). It is absent or not present at a significant frequency in gnomAD. In conclusion, we classify GAA c.546G>A (p.Thr182=) as a pathogenic variant.

Labcorp Genetics (formerly Invitae), Labcorp
Classification: Pathogenic for Glycogen storage disease, type II. Last evaluated: 2026-01-13. Review status: criteria provided, single submitter. Criteria: Invitae Variant Classification Sherloc (09022015). Collection method: clinical testing. Allele origin: germline. Not counted in ClinVar's aggregate classification.
Comment: This sequence change affects codon 182 of the GAA mRNA. It is a 'silent' change, meaning that it does not change the encoded amino acid sequence of the GAA protein. This variant also falls at the last nucleotide of exon 2, which is part of the consensus splice site for this exon. This variant is present in population databases (rs143523371, gnomAD 0.02%). This variant has been observed in individuals with late-onset Pompe disease (PMID: 14695532, 21484825, 25037089). ClinVar contains an entry for this variant (Variation ID: 280955). Studies have shown that this variant alters GAA gene expression (PMID: 14695532). Variants that disrupt the consensus splice site are a relatively common cause of aberrant splicing (PMID: 17576681, 9536098). Algorithms developed to predict the effect of sequence changes on RNA splicing suggest that this variant may disrupt the consensus splice site. This variant disrupts the c.546G nucleotide in the GAA gene. Other variant(s) that disrupt this nucleotide have been determined to be pathogenic (PMID: 17616415, 19609281, 20202878, 21179066, 21982629, 22196155). This suggests that this nucleotide is clinically significant, and that variants that disrupt this position are likely to be disease-causing. For these reasons, this variant has been classified as Pathogenic.

NHS Central & South Genomic Laboratory Hub
Classification: Likely pathogenic for Glycogen storage disease. Last evaluated: 2025-10-21. Review status: criteria provided, single submitter. Criteria: ACMG Guidelines, 2015. Collection method: clinical testing. Allele origin: germline. Affected: yes. Not counted in ClinVar's aggregate classification.

Natera, Inc.
Classification: Pathogenic for Glycogen storage disease type II. Last evaluated: 2025-08-26. Review status: criteria provided, single submitter. Criteria: Natera Variant Classification Schema (03/2026). Collection method: clinical testing. Allele origin: germline. Not counted in ClinVar's aggregate classification.
Comment: The c.546G>A variant in GAA is a synonymous variant that does not alter the encoded amino acid at position 182 (p.T182=). This variant is rare in the general population with a frequency below the threshold expected for the associated phenotype(s). This variant has been observed in one or more individuals affected with the associated recessive disease, as either homozygous or compound heterozygous with a second variant (PMID: 14695532, 21484825, 33202836, 25037089, 34995642). Functional studies show that this variant may disrupt protein function (PMID: 31301153). Given the available evidence, this variant is classified as Pathogenic.

Revvity Omics, Revvity
Classification: Pathogenic. Last evaluated: 2025-03-12. Review status: criteria provided, single submitter. Criteria: ACMG Guidelines, 2015. Collection method: clinical testing. Allele origin: germline. Not counted in ClinVar's aggregate classification.

Clinical Genomics Laboratory, Washington University in St. Louis
Classification: Pathogenic for Glycogen storage disease, type II. Last evaluated: 2024-11-19. Review status: criteria provided, single submitter. Criteria: ACMG Guidelines, 2015. Collection method: clinical testing. Allele origin: germline. Affected: yes. Not counted in ClinVar's aggregate classification.
Comment: A GAA c.546G>A (p.Thr182=) variant was identified in a heterozygous state. This variant has been reported in multiple individuals affected with glycogen storage disease II (Bali DS et al., PMID: 21484825; Chawla T et a., PMID: 34864681; Dasouki M et al., PMID: 25037089; Furusawa Y et al., PMID: 21984055; Hermans MM et al., PMID: 14695532; Nallamilli BRR et al., PMID: 30564623). The GAA c.546G>A (p.Thr182=) variant has been reported in the ClinVar database as a germline pathogenic variant in glycogen storage disease by multiple submitters (ClinVar ID 280955). This variant is only observed on 8/267,796 alleles in the general population (gnomAD v.2.1.1), indicating it is not a common variant. Computational predictors indicate that this variant would alter splicing, evidence that correlates to an impact of this variant on GAA function. Different nucleotide changes at this same position, c.546G>T, c.546G>C, have been reported and are considered likely pathogenic/pathogenic (Chawla T et a., PMID: 34864681; Furusawa Y et al., PMID: 21984055; Hossain MA et al., PMID: 30093193; ClinVar variation ID's: 281056; 34864681). This variant occurs in the last base of the exon and is predicted to alter splicing. Based on available information and based on the ClinGen Lysosomal Storage Disorders Variant Curation Expert Panel (Goldstein JL et al., PMID: 37907381), the GAA c.546G>A (p.Thr182=) variant is classified as pathogenic.

Fulgent Genetics
Classification: Pathogenic for Glycogen storage disease, type II. Last evaluated: 2024-05-30. Review status: criteria provided, single submitter. Criteria: ACMG Guidelines, 2015. Collection method: clinical testing. Allele origin: germline. Not counted in ClinVar's aggregate classification.

NM_000152.5(GAA):c.546G>A (p.Thr182=)

Gene: GAA (alpha glucosidase; plus strand). Cytogenetic location: 17q25.3.
Variant type: single nucleotide variant.
Coding change: c.546G>A on transcript NM_000152.5 (MANE Select); coding-DNA position 546, G replaced by A.
Protein change: p.Thr182=; no amino-acid change (threonine 182 retained).
Molecular consequence: synonymous variant.
Genome position (GRCh38, 1-based): chr17:80,105,132, G>A. VCF-style: chr17-80105132-G-A. GRCh37 (hg19) VCF-style: chr17-78078931-G-A.
Other names: c.546G>A (LRG_673t1, NM_000152.4); c.546G>A, p.Thr182= (NM_001079803.3, NM_001079804.3).
Identifiers: ClinVar variation 280955 (VCV000280955.44), dbSNP rs143523371, ClinGen allele CA8814895.